The following is an entry in ClinVar:

NM_017934.7(PHIP):c.477C>T (p.Tyr159=)

Gene: PHIP (PHIP subunit of CUL4-Ring ligase complex; minus strand). Cytogenetic location: 6q14.1.
Variant type: single nucleotide variant.
Coding change: c.477C>T on transcript NM_017934.7 (MANE Select); coding-DNA position 477, C replaced by T.
Protein change: p.Tyr159=; no amino-acid change (tyrosine 159 retained).
Molecular consequence: synonymous variant.
Genome position (GRCh38, 1-based): chr6:79,042,966, G>A on the plus strand (C>T on the coding strand, the complement: PHIP is on the minus strand). VCF-style: chr6-79042966-G-A. GRCh37 (hg19) VCF-style: chr6-79752683-G-A.
Other names: c.477C>T (NM_017934.6).
Identifiers: ClinVar variation 2057361 (VCV002057361.13), dbSNP rs199584192, ClinGen allele CA3900359.

ClinVar aggregate classification (germline): Likely benign. Review status: criteria provided, multiple submitters, no conflicts (2 of 4 stars). 3 submissions from 3 submitters: Likely benign (2). 1 of the submissions does not count toward it. Last evaluated 2025-12-16.

Conditions:
PHIP-related disorder. Also called: PHIP-related disorders; PHIP-related condition.

Allele frequency attached by ClinVar (database versions not stated): ExAC 0.00001; gnomAD 0.00001; TOPMed 0.00001; gnomAD exomes 0.00003.
gnomAD v4.1: 42 of 1,610,288 alleles (0.0026%); highest among the groups gnomAD compares: East Asian, 0.011%; no homozygotes.

Submissions (3):

Labcorp Genetics (formerly Invitae), Labcorp
Classification: Likely benign. Last evaluated: 2025-12-16. Review status: criteria provided, single submitter. Criteria: Invitae Variant Classification Sherloc (09022015). Collection method: clinical testing. Allele origin: germline.

CeGaT Center for Human Genetics Tuebingen
Classification: Likely benign. Last evaluated: 2025-07-01. Review status: criteria provided, single submitter. Criteria: CeGaT Center For Human Genetics Tuebingen Variant Classification Criteria Version 2. Collection method: clinical testing. Allele origin: germline. Affected: yes. Observed: 1 variant allele.
Comment: PHIP: BP4

PreventionGenetics, part of Exact Sciences
Classification: Likely benign for PHIP-related condition. Last evaluated: 2022-08-18. Review status: no assertion criteria provided. Collection method: clinical testing. Allele origin: germline. Not counted in ClinVar's aggregate classification.
Comment: This variant is classified as likely benign based on ACMG/AMP sequence variant interpretation guidelines (Richards et al. 2015 PMID: 25741868, with internal and published modifications).